The following is an entry in ClinVar:

ClinVar aggregate classification (germline): Benign/Likely benign. Review status: criteria provided, multiple submitters, no conflicts (2 of 4 stars). 3 submissions from 3 submitters: Benign (2); Likely benign (1). Last evaluated 2026-05-13.

Allele frequency attached by ClinVar (database versions not stated): gnomAD exomes 0.00041 and 0.00101; ExAC 0.00131; 1000 Genomes Project 0.00379; ESP Exome Variant Server 0.00416; gnomAD 0.00435 and 0.00473; 1000 Genomes Project 30x 0.00468; TOPMed 0.00478.
gnomAD v4.1: 1,273 of 1,597,694 alleles (0.08%); highest among the groups gnomAD compares: African/African-American, 1.5%; 17 homozygotes.

Submissions (4):

Women's Health and Genetics/Laboratory Corporation of America, LabCorp
Classification: Likely benign. Last evaluated: 2026-05-13. Review status: criteria provided, single submitter. Criteria: LabCorp Variant Classification Summary - May 2015. Collection method: clinical testing. Allele origin: germline.

Labcorp Genetics (formerly Invitae), Labcorp
Classification: Benign. Last evaluated: 2026-02-03. Review status: criteria provided, single submitter. Criteria: Invitae Variant Classification Sherloc (09022015). Collection method: clinical testing. Allele origin: germline.

GeneDx
Classification: Benign. Last evaluated: 2017-03-10. Review status: criteria provided, single submitter. Criteria: GeneDx Variant Classification (06012015). Collection method: clinical testing. Allele origin: germline. Affected: yes.
Comment: This variant is considered likely benign or benign based on one or more of the following criteria: it is a conservative change, it occurs at a poorly conserved position in the protein, it is predicted to be benign by multiple in silico algorithms, and/or has population frequency not consistent with disease.

Dr. Peter K. Rogan Lab, Western University
No classification provided (evidence only). Condition: Cervical cancer. Review status: no classification provided. Collection method: in vitro. Allele origin: not applicable. Functional consequence: retained intron. Not counted in ClinVar's aggregate classification.

NM_001844.5(COL2A1):c.3598-19T>G

Gene: COL2A1 (collagen type II alpha 1 chain; minus strand). Cytogenetic location: 12q13.11.
Variant type: single nucleotide variant.
Coding change: c.3598-19T>G on transcript NM_001844.5 (MANE Select); 19 bases into the intron before coding-DNA position 3598, T replaced by G.
Molecular consequence: intron variant.
Genome position (GRCh38, 1-based): chr12:47,975,624, A>C on the plus strand (T>G on the coding strand, the complement: COL2A1 is on the minus strand). VCF-style: chr12-47975624-A-C. GRCh37 (hg19) VCF-style: chr12-48369407-A-C.
Other names: c.3391-19T>G (NM_033150.3).
Identifiers: ClinVar variation 516537 (VCV000516537.13), dbSNP rs76104937, ClinGen allele CA6534686.
Genomic context (GRCh38, chr12:47,975,624, plus strand): 5'-GGGACCTGGAGGACCAGGGGGTCCAGGATTTCCAGGAGGACCCTGCAGCAGGAAACAGAG[A>C]GATCAGCCAGGATTGTGTGAAAGTGCCCCTCCATGTCCATCCCCATTTGCTAGAATGTAC-3'